The following is an entry in ClinVar:

NM_018341.3(ERMARD):c.1389del (p.Val464fs)

Gene: ERMARD (ER membrane associated RNA degradation; plus strand). Cytogenetic location: 6q27.
Variant type: Deletion.
Coding change: c.1389del on transcript NM_018341.3 (MANE Select); coding-DNA position 1389, one base deleted (C; older notation c.1389delC).
Protein change: p.Val464fs; shifts the reading frame from valine 464.
Molecular consequence: frameshift variant.
Genome position (GRCh38, 1-based): chr6:169,775,341, C deleted; the last of 2 consecutive C bases (chr6:169,775,340-169,775,341); deleting either gives the same sequence. VCF-style (leftmost placement, unchanged base first): chr6-169775339-GC-G. GRCh37 (hg19) VCF-style: chr6-170175435-GC-G.
Other names: c.1389del, p.Val464fs (NM_001278531.2, NM_001278533.2); c.1011del, p.Val338fs (NM_001278532.2); c.981del, p.Val328fs (NM_001410957.1); short protein forms V328fs, V338fs, V464fs.
Identifiers: ClinVar variation 2905574 (VCV002905574.3), dbSNP rs1793456549, ClinGen allele CA1097273073.
Genomic context (GRCh38, chr6:169,775,339, plus strand): 5'-TGTGAGGAGAGCATCAGGGTTTGGGCTCTGCTGCCTTTCCCCGAAGAACTCACTCGGCAA[GC>G]CGTCAGGTGCGTGGCATCCTGGGGCCTGGCTGACCTCAAGCTTGTCTGGTACTATTAGTT-3'

ClinVar aggregate classification (germline): Uncertain significance (1 of 4 stars; one submission).

Submission:

Labcorp Genetics (formerly Invitae), Labcorp
Classification: Uncertain significance. Last evaluated: 2025-03-31. Review status: criteria provided, single submitter. Criteria: Invitae Variant Classification Sherloc (09022015). Collection method: clinical testing. Allele origin: germline.
Comment: This sequence change creates a premature translational stop signal (p.Val464Serfs*3) in the ERMARD gene. It is expected to result in an absent or disrupted protein product. However, the current clinical and genetic evidence is not sufficient to establish whether loss-of-function variants in ERMARD cause disease. This variant is not present in population databases (gnomAD no frequency). This variant has not been reported in the literature in individuals affected with ERMARD-related conditions. ClinVar contains an entry for this variant (Variation ID: 2905574). Algorithms developed to predict the effect of sequence changes on RNA splicing suggest that this variant may disrupt the consensus splice site. In summary, the available evidence is currently insufficient to determine the role of this variant in disease. Therefore, it has been classified as a Variant of Uncertain Significance.